The following is an entry in ClinVar:

ClinVar aggregate classification (germline): Pathogenic. Review status: criteria provided, multiple submitters, no conflicts (2 of 4 stars). 3 submissions from 3 submitters: Pathogenic (3). Last evaluated 2024-11-29.

Conditions:
Hereditary cancer-predisposing syndrome. Also called: Tumor predisposition; Neoplastic Syndromes, Hereditary; Hereditary neoplastic syndrome; Hereditary Cancer Syndrome. Identifiers: Orphanet 140162, MedGen C0027672, MeSH D009386, MONDO:0015356.
Ataxia-telangiectasia syndrome (AT). Also called: LOUIS-BAR SYNDROME; Ataxia-telangiectasia, complementation group D; AT, COMPLEMENTATION GROUP C; Cerebello-oculocutaneous telangiectasia; Immunodeficiency with ataxia telangiectasia; ATAXIA-TELANGIECTASIA, COMPLEMENTATION GROUP A. Identifiers: Orphanet 100, MedGen C0004135, MONDO:0008840, OMIM 208900.
Familial cancer of breast. Also called: Hereditary breast cancer; BREAST CANCER, FAMILIAL; hereditary breast carcinoma. Identifiers: Orphanet 227535, MedGen C0346153, MONDO:0016419, OMIM 114480. Disease mechanism: loss of function.

Submissions (3):

Ambry Genetics
Classification: Pathogenic for Hereditary cancer-predisposing syndrome. Last evaluated: 2024-11-29. Review status: criteria provided, single submitter. Criteria: Ambry Variant Classification Scheme 2023. Collection method: clinical testing. Allele origin: germline.
Comment: The p.Q286* variant (also known as c.856C>T), located in coding exon 6 of the ATM gene, results from a C to T substitution at nucleotide position 856. This changes the amino acid from a glutamine to a stop codon within coding exon 6. This variant is considered to be rare based on population cohorts in the Genome Aggregation Database (gnomAD). This alteration is expected to result in loss of function by premature protein truncation or nonsense-mediated mRNA decay. As such, this alteration is interpreted as a disease-causing mutation.

Myriad Genetics, Inc.
Classification: Pathogenic for Familial cancer of breast. Last evaluated: 2024-01-11. Review status: criteria provided, single submitter. Criteria: Myriad Autosomal Dominant, Autosomal Recessive and X-Linked Classification Criteria (2023). Collection method: clinical testing. Allele origin: unknown.
Comment: This variant is considered pathogenic. This variant creates a termination codon and is predicted to result in premature protein truncation.

Labcorp Genetics (formerly Invitae), Labcorp
Classification: Pathogenic for Ataxia-telangiectasia syndrome. Last evaluated: 2020-07-13. Review status: criteria provided, single submitter. Criteria: Invitae Variant Classification Sherloc (09022015). Collection method: clinical testing. Allele origin: germline.
Comment: For these reasons, this variant has been classified as Pathogenic. Loss-of-function variants in ATM are known to be pathogenic (PMID: 23807571, 25614872). Algorithms developed to predict the effect of sequence changes on RNA splicing suggest that this variant may create or strengthen a splice site, but this prediction has not been confirmed by published transcriptional studies. This variant has not been reported in the literature in individuals with ATM-related conditions. This variant is not present in population databases (ExAC no frequency). This sequence change creates a premature translational stop signal (p.Gln286*) in the ATM gene. It is expected to result in an absent or disrupted protein product.

Literature cited by the submitters: PubMed 23807571 (cited by Labcorp Genetics (formerly Invitae), Labcorp); PubMed 25614872 (cited by Labcorp Genetics (formerly Invitae), Labcorp).

NM_000051.4(ATM):c.856C>T (p.Gln286Ter)

Gene: ATM (ATM serine/threonine kinase; plus strand). Cytogenetic location: 11q22.3.
Variant type: single nucleotide variant.
Coding change: c.856C>T on transcript NM_000051.4 (MANE Select); coding-DNA position 856, C replaced by T.
Protein change: p.Gln286Ter; replaces glutamine 286 with a stop codon.
Molecular consequence: nonsense.
Genome position (GRCh38, 1-based): chr11:108,244,981, C>T. VCF-style: chr11-108244981-C-T. GRCh37 (hg19) VCF-style: chr11-108115708-C-T.
Other names: c.856C>T, p.Gln286Ter (NM_001351834.2); short protein forms Q286*.
Identifiers: ClinVar variation 1071816 (VCV001071816.10), dbSNP rs2135242925, ClinGen allele CA382529491.